The following is an entry in ClinVar:

NM_001378418.1(TCF20):c.4440T>C (p.Asp1480=)

Gene: TCF20 (transcription factor 20; minus strand). Cytogenetic location: 22q13.2.
Variant type: single nucleotide variant.
Coding change: c.4440T>C on transcript NM_001378418.1 (MANE Select); coding-DNA position 4440, T replaced by C.
Protein change: p.Asp1480=; no amino-acid change (aspartic acid 1480 retained).
Molecular consequence: synonymous variant.
Genome position (GRCh38, 1-based): chr22:42,210,866, A>G on the plus strand (T>C on the coding strand, the complement: TCF20 is on the minus strand). VCF-style: chr22-42210866-A-G. GRCh37 (hg19) VCF-style: chr22-42606872-A-G.
Other names: c.4440T>C, p.Asp1480= (NM_005650.4, NM_181492.3).
Identifiers: ClinVar variation 3030723 (VCV003030723.2), dbSNP rs2518206792, ClinGen allele CA514801388.

ClinVar aggregate classification (germline): Likely benign (0 of 4 stars; one submission).

Conditions:
TCF20-related disorder. Also called: TCF20-related condition.

Submission:

PreventionGenetics, part of Exact Sciences
Classification: Likely benign for TCF20-related condition. Last evaluated: 2023-07-20. Review status: no assertion criteria provided. Collection method: clinical testing. Allele origin: germline.
Comment: This variant is classified as likely benign based on ACMG/AMP sequence variant interpretation guidelines (Richards et al. 2015 PMID: 25741868, with internal and published modifications).